The following is an entry in ClinVar:

ClinVar aggregate classification (germline): Uncertain significance (1 of 4 stars; one submission).

Conditions:
Ataxia-telangiectasia syndrome (AT). Also called: Ataxia-telangiectasia, complementation group D; LOUIS-BAR SYNDROME; ATAXIA-TELANGIECTASIA, COMPLEMENTATION GROUP A; ATAXIA-TELANGIECTASIA, FRESNO VARIANT; Ataxia telangiectasia (A-T); Cerebello-oculocutaneous telangiectasia. Identifiers: Orphanet 100, MedGen C0004135, MONDO:0008840, OMIM 208900.

Submission:

Labcorp Genetics (formerly Invitae), Labcorp
Classification: Uncertain significance for Ataxia-telangiectasia syndrome. Last evaluated: 2025-07-25. Review status: criteria provided, single submitter. Criteria: Invitae Variant Classification Sherloc (09022015). Collection method: clinical testing. Allele origin: germline.
Comment: This sequence change replaces leucine, which is neutral and non-polar, with serine, which is neutral and polar, at codon 1675 of the ATM protein (p.Leu1675Ser). This variant is not present in population databases (gnomAD no frequency). This variant has not been reported in the literature in individuals affected with ATM-related conditions. ClinVar contains an entry for this variant (Variation ID: 2765935). Invitae Evidence Modeling of protein sequence and biophysical properties (such as structural, functional, and spatial information, amino acid conservation, physicochemical variation, residue mobility, and thermodynamic stability) indicates that this missense variant is expected to disrupt ATM protein function with a positive predictive value of 95%. In summary, the available evidence is currently insufficient to determine the role of this variant in disease. Therefore, it has been classified as a Variant of Uncertain Significance.

NM_000051.4(ATM):c.5024T>C (p.Leu1675Ser)

Gene: ATM (ATM serine/threonine kinase; plus strand). Cytogenetic location: 11q22.3.
Variant type: single nucleotide variant.
Coding change: c.5024T>C on transcript NM_000051.4 (MANE Select); coding-DNA position 5024, T replaced by C.
Protein change: p.Leu1675Ser; replaces leucine 1675 with serine.
Molecular consequence: missense variant.
Genome position (GRCh38, 1-based): chr11:108,299,732, T>C. VCF-style: chr11-108299732-T-C. GRCh37 (hg19) VCF-style: chr11-108170459-T-C.
Other names: c.5024T>C, p.Leu1675Ser (NM_001351834.2); short protein forms L1675S.
Identifiers: ClinVar variation 2765935 (VCV002765935.3), dbSNP rs2546964010, ClinGen allele CA382540201.